The following is an entry in ClinVar:

NM_000051.4(ATM):c.4034T>C (p.Val1345Ala)

Gene: ATM (ATM serine/threonine kinase; plus strand). Cytogenetic location: 11q22.3.
Variant type: single nucleotide variant.
Coding change: c.4034T>C on transcript NM_000051.4 (MANE Select); coding-DNA position 4034, T replaced by C.
Protein change: p.Val1345Ala; replaces valine 1345 with alanine.
Molecular consequence: missense variant.
Genome position (GRCh38, 1-based): chr11:108,287,640, T>C. VCF-style: chr11-108287640-T-C. GRCh37 (hg19) VCF-style: chr11-108158367-T-C.
Other names: c.4034T>C, p.Val1345Ala (NM_001351834.2); short protein forms V1345A.
Identifiers: ClinVar variation 1999729 (VCV001999729.5), dbSNP rs2082560692, ClinGen allele CA382527733.

ClinVar aggregate classification (germline): Uncertain significance. Review status: criteria provided, multiple submitters, no conflicts (2 of 4 stars). 2 submissions from 2 submitters: Uncertain significance (2). Last evaluated 2025-12-17.

Conditions:
Ataxia-telangiectasia syndrome (AT). Also called: Cerebello-oculocutaneous telangiectasia; Immunodeficiency with ataxia telangiectasia; LOUIS-BAR SYNDROME; Ataxia-telangiectasia, complementation group D; AT, COMPLEMENTATION GROUP C; ATAXIA-TELANGIECTASIA, COMPLEMENTATION GROUP A. Identifiers: Orphanet 100, MedGen C0004135, MONDO:0008840, OMIM 208900.
Hereditary cancer-predisposing syndrome. Also called: Neoplastic Syndromes, Hereditary; Tumor predisposition; Hereditary Cancer Syndrome; Hereditary neoplastic syndrome. Identifiers: Orphanet 140162, MedGen C0027672, MeSH D009386, MONDO:0015356.

Allele frequency attached by ClinVar (database versions not stated): TOPMed below 0.00001; gnomAD 0.00001.
gnomAD v4.1: 1 of 1,613,554 alleles (0.000062%); highest among the groups gnomAD compares: African/African-American, 0.0013%; no homozygotes.

Submissions (2):

Ambry Genetics
Classification: Uncertain significance for Hereditary cancer-predisposing syndrome. Last evaluated: 2025-12-17. Review status: criteria provided, single submitter. Criteria: Ambry Variant Classification Scheme 2023. Collection method: clinical testing. Allele origin: germline.
Comment: The p.V1345A variant (also known as c.4034T>C), located in coding exon 26 of the ATM gene, results from a T to C substitution at nucleotide position 4034. The valine at codon 1345 is replaced by alanine, an amino acid with similar properties. In an assay testing ATM function, this variant showed a functionally normal result (Lee KS et al. Cell, 2025 Sep;188:5081-5099.e27). This amino acid position is highly conserved in available vertebrate species. In addition, the in silico prediction for this alteration is inconclusive. Based on the available evidence, the clinical significance of this variant remains unclear.

Labcorp Genetics (formerly Invitae), Labcorp
Classification: Uncertain significance for Ataxia-telangiectasia syndrome. Last evaluated: 2024-09-11. Review status: criteria provided, single submitter. Criteria: Invitae Variant Classification Sherloc (09022015). Collection method: clinical testing. Allele origin: germline.
Comment: This sequence change replaces valine, which is neutral and non-polar, with alanine, which is neutral and non-polar, at codon 1345 of the ATM protein (p.Val1345Ala). This variant is not present in population databases (gnomAD no frequency). This variant has not been reported in the literature in individuals affected with ATM-related conditions. ClinVar contains an entry for this variant (Variation ID: 1999729). An algorithm developed to predict the effect of missense changes on protein structure and function (PolyPhen-2) suggests that this variant is likely to be disruptive. In summary, the available evidence is currently insufficient to determine the role of this variant in disease. Therefore, it has been classified as a Variant of Uncertain Significance.

Literature cited by the submitters: PubMed 40580951 (cited by Ambry Genetics).